The following is an entry in ClinVar:

NM_001148.6(ANK2):c.9188A>C (p.Glu3063Ala)

Gene: ANK2 (ankyrin 2; plus strand). Cytogenetic location: 4q26.
Variant type: single nucleotide variant.
Coding change: c.9188A>C on transcript NM_001148.6 (MANE Select); coding-DNA position 9188, A replaced by C.
Protein change: p.Glu3063Ala; replaces glutamic acid 3063 with alanine.
Molecular consequence: missense variant. On other transcripts: intron variant (68).
Genome position (GRCh38, 1-based): chr4:113,357,806, A>C. VCF-style: chr4-113357806-A-C. GRCh37 (hg19) VCF-style: chr4-114278962-A-C.
Other names: c.8954A>C, p.Glu2985Ala (NM_001386142.1); c.5588A>C, p.Glu1863Ala (NM_001386166.1); c.9329A>C, p.Glu3110Ala (NM_001386174.1); c.9305A>C, p.Glu3102Ala (NM_001386175.1); c.4412-3017A>C (NM_001386186.2, NM_001386148.2); c.4214-3017A>C (NM_001354269.3); c.4292-3017A>C (NM_001386187.2); c.4253-3017A>C (NM_001386147.1); and 35 more; short protein forms E3102A, E1863A, E2985A, E3063A, E3110A.
Identifiers: ClinVar variation 2762960 (VCV002762960.3), dbSNP rs2505933343, ClinGen allele CA357936788.

ClinVar aggregate classification (germline): Uncertain significance (1 of 4 stars; one submission).

Conditions:
Long QT syndrome (LQTS). Identifiers: MedGen C0023976, MeSH D008133, MONDO:0002442. Disease mechanism: loss of function. Inheritance: Various modes of inheritance.

Submission:

Labcorp Genetics (formerly Invitae), Labcorp
Classification: Uncertain significance for Long QT syndrome. Last evaluated: 2023-09-23. Review status: criteria provided, single submitter. Criteria: Invitae Variant Classification Sherloc (09022015). Collection method: clinical testing. Allele origin: germline.
Comment: This sequence change replaces glutamic acid, which is acidic and polar, with alanine, which is neutral and non-polar, at codon 3063 of the ANK2 protein (p.Glu3063Ala). This variant is not present in population databases (gnomAD no frequency). This variant has not been reported in the literature in individuals affected with ANK2-related conditions. An algorithm developed to predict the effect of missense changes on protein structure and function (PolyPhen-2) suggests that this variant is likely to be disruptive. In summary, the available evidence is currently insufficient to determine the role of this variant in disease. Therefore, it has been classified as a Variant of Uncertain Significance.